The following is an entry in ClinVar:

ClinVar aggregate classification (germline): Uncertain significance (1 of 4 stars; one submission).

Allele frequency attached by ClinVar (database versions not stated): gnomAD exomes below 0.00001; gnomAD 0.00001; TOPMed 0.00001.

Submission:

Labcorp Genetics (formerly Invitae), Labcorp
Classification: Uncertain significance. Last evaluated: 2024-04-29. Review status: criteria provided, single submitter. Criteria: Invitae Variant Classification Sherloc (09022015). Collection method: clinical testing. Allele origin: germline.
Comment: This sequence change replaces arginine, which is basic and polar, with histidine, which is basic and polar, at codon 700 of the SNRNP200 protein (p.Arg700His). This variant is present in population databases (no rsID available, gnomAD 0.0009%). This variant has not been reported in the literature in individuals affected with SNRNP200-related conditions. ClinVar contains an entry for this variant (Variation ID: 1487570). Advanced modeling of protein sequence and biophysical properties (such as structural, functional, and spatial information, amino acid conservation, physicochemical variation, residue mobility, and thermodynamic stability) performed at Invitae indicates that this missense variant is expected to disrupt SNRNP200 protein function with a positive predictive value of 80%. In summary, the available evidence is currently insufficient to determine the role of this variant in disease. Therefore, it has been classified as a Variant of Uncertain Significance.

NM_014014.5(SNRNP200):c.2099G>A (p.Arg700His)

Gene: SNRNP200 (small nuclear ribonucleoprotein U5 subunit 200; minus strand). Cytogenetic location: 2q11.2.
Variant type: single nucleotide variant.
Coding change: c.2099G>A on transcript NM_014014.5 (MANE Select); coding-DNA position 2099, G replaced by A.
Protein change: p.Arg700His; replaces arginine 700 with histidine.
Molecular consequence: missense variant.
Genome position (GRCh38, 1-based): chr2:96,293,033, C>T on the plus strand (G>A on the coding strand, the complement: SNRNP200 is on the minus strand). VCF-style: chr2-96293033-C-T. GRCh37 (hg19) VCF-style: chr2-96958771-C-T.
Other names: short protein forms R700H.
Identifiers: ClinVar variation 1487570 (VCV001487570.6), dbSNP rs905600831, ClinGen allele CA52399813.
Genomic context (GRCh38, chr2:96,293,033, plus strand): 5'-TGATTTTTTCCAGCATGTTCCATGATTTTTTCATAGACGATTTCATTCATGATCTGGAAA[C>T]GCTTGATAGCTTTTTTCTCTGTGATACCCACATATGTCTGTTCCAGAGGCACTGGACGGA-3'
Protein context (NP_054733.2, residues 690-710): VGITEKKAIK[Arg700His]FQIMNEIVYE